The following is an entry in ClinVar:

ClinVar aggregate classification (germline): Pathogenic (1 of 4 stars; one submission).

Submission:

Labcorp Genetics (formerly Invitae), Labcorp
Classification: Pathogenic. Last evaluated: 2019-07-06. Review status: criteria provided, single submitter. Criteria: Invitae Variant Classification Sherloc (09022015). Collection method: clinical testing. Allele origin: germline.
Comment: For these reasons, this variant has been classified as Pathogenic. Loss-of-function variants in IMPG2 are known to be pathogenic (PMID: 20673862, 28644393). This variant has not been reported in the literature in individuals with IMPG2-related conditions. This variant is not present in population databases (ExAC no frequency). This sequence change creates a premature translational stop signal (p.Lys62Asnfs*14) in the IMPG2 gene. It is expected to result in an absent or disrupted protein product.

Literature cited by the submitters: PubMed 20673862; PubMed 28644393.

NM_016247.4(IMPG2):c.186_189del (p.Lys62fs)

Gene: IMPG2 (interphotoreceptor matrix proteoglycan 2; minus strand). Cytogenetic location: 3q12.3.
Variant type: Deletion.
Coding change: c.186_189del on transcript NM_016247.4 (MANE Select); coding-DNA positions 186 to 189, 4 bases deleted (GAAA; older notation c.186_189delGAAA).
Protein change: p.Lys62fs; shifts the reading frame from lysine 62.
Molecular consequence: frameshift variant.
Genome position (GRCh38, 1-based): chr3:101,319,729-101,319,732, TTTC deleted on the plus strand (GAAA on the coding strand, the reverse complement: IMPG2 is on the minus strand); deleting any 4 consecutive bases within chr3:101,319,729-101,319,735 gives the same sequence; the c. name uses the placement nearest the transcript's 3' end. VCF-style (leftmost placement, unchanged base first): chr3-101319728-GTTTC-G. GRCh37 (hg19) VCF-style: chr3-101038572-GTTTC-G.
Other names: short protein forms K62fs.
Identifiers: ClinVar variation 949992 (VCV000949992.7), dbSNP rs2058802159, ClinGen allele CA1139658206.